The following is an entry in ClinVar:

NM_000093.5(COL5A1):c.2210C>G (p.Ala737Gly)

Gene: COL5A1 (collagen type V alpha 1 chain; plus strand). Cytogenetic location: 9q34.3.
Variant type: single nucleotide variant.
Coding change: c.2210C>G on transcript NM_000093.5 (MANE Select); coding-DNA position 2210, C replaced by G.
Protein change: p.Ala737Gly; replaces alanine 737 with glycine.
Molecular consequence: missense variant.
Genome position (GRCh38, 1-based): chr9:134,767,332, C>G. VCF-style: chr9-134767332-C-G. GRCh37 (hg19) VCF-style: chr9-137659178-C-G.
Other names: c.2210C>G (NM_000093.3); c.2210C>G, p.Ala737Gly (NM_001278074.1); short protein forms A737G.
Identifiers: ClinVar variation 2989520 (VCV002989520.4), dbSNP rs1422309025, ClinGen allele CA375448912.

ClinVar aggregate classification (germline): Uncertain significance. Review status: criteria provided, multiple submitters, no conflicts (2 of 4 stars). 2 submissions from 2 submitters: Uncertain significance (2). Last evaluated 2025-06-27.

Conditions:
Familial thoracic aortic aneurysm and aortic dissection (TAAD). Also called: Thoracic aortic aneurysms and dissections. Identifiers: Orphanet 91387, MedGen C4707243, MONDO:0019625.
Ehlers-Danlos syndrome, classic type, 1 (EDSCL1). Also called: EDS I; EHLERS-DANLOS SYNDROME, GRAVIS TYPE; EHLERS-DANLOS SYNDROME, SEVERE CLASSIC TYPE; Ehlers-Danlos syndrome, type 1; Ehlers-Danlos Syndrome, Classic Type, COL5A1-Related. Identifiers: MedGen C0268335, MONDO:0019567, OMIM 130000.

gnomAD v4.1: 1 of 1,614,084 alleles (0.000062%); highest among the groups gnomAD compares: Non-Finnish European, 0.000085%; no homozygotes.

Submissions (2):

Ambry Genetics
Classification: Uncertain significance for Familial thoracic aortic aneurysm and aortic dissection. Last evaluated: 2025-06-27. Review status: criteria provided, single submitter. Criteria: Ambry Variant Classification Scheme 2023. Collection method: clinical testing. Allele origin: germline.
Comment: The p.A737G variant (also known as c.2210C>G), located in coding exon 24 of the COL5A1 gene, results from a C to G substitution at nucleotide position 2210. The alanine at codon 737 is replaced by glycine, an amino acid with similar properties. This amino acid position is highly conserved in available vertebrate species. In addition, the in silico prediction for this alteration is inconclusive. Based on the available evidence, the clinical significance of this variant remains unclear.

Labcorp Genetics (formerly Invitae), Labcorp
Classification: Uncertain significance for Ehlers-Danlos syndrome, classic type, 1. Last evaluated: 2023-08-15. Review status: criteria provided, single submitter. Criteria: Invitae Variant Classification Sherloc (09022015). Collection method: clinical testing. Allele origin: germline.
Comment: This variant has not been reported in the literature in individuals affected with COL5A1-related conditions. Advanced modeling of protein sequence and biophysical properties (such as structural, functional, and spatial information, amino acid conservation, physicochemical variation, residue mobility, and thermodynamic stability) performed at Invitae indicates that this missense variant is not expected to disrupt COL5A1 protein function. In summary, the available evidence is currently insufficient to determine the role of this variant in disease. Therefore, it has been classified as a Variant of Uncertain Significance. This variant is not present in population databases (gnomAD no frequency). This sequence change replaces alanine, which is neutral and non-polar, with glycine, which is neutral and non-polar, at codon 737 of the COL5A1 protein (p.Ala737Gly).